The following is an entry in ClinVar:

ClinVar aggregate classification (germline): Conflicting classifications of pathogenicity. Review status: criteria provided, conflicting classifications (1 of 4 stars). 9 submissions from 9 submitters: Uncertain significance (1); Benign (4); Likely benign (3). 1 of the submissions does not count toward it. Last evaluated 2026-01-19.

Conditions:
Autosomal recessive distal spinal muscular atrophy 1. Also called: HMN VI; NEURONOPATHY, SEVERE INFANTILE AXONAL, WITH RESPIRATORY FAILURE; SEVERE INFANTILE AXONAL NEUROPATHY WITH RESPIRATORY FAILURE; SPINAL MUSCULAR ATROPHY, DIAPHRAGMATIC; Spinal muscular atrophy with respiratory distress 1; NEURONOPATHY, DISTAL HEREDITARY MOTOR, HARDING TYPE VI. Identifiers: Orphanet 98920, MedGen C1858517, MONDO:0011436, OMIM 604320.
Charcot-Marie-Tooth disease axonal type 2S. Also called: CHARCOT-MARIE-TOOTH NEUROPATHY, TYPE 2S; CHARCOT-MARIE-TOOTH DISEASE, AXONAL, AUTOSOMAL RECESSIVE, TYPE 2S. Identifiers: Orphanet 443073, MedGen C4015349, MONDO:0014511, OMIM 616155.
Charcot-Marie-Tooth disease. Also called: Charcot-Marie-Tooth Neuropathy; Charcot-Marie-Tooth Hereditary Neuropathy. Identifiers: Orphanet 166, MedGen C0007959, MONDO:0015626.
IGHMBP2-related disorder. Also called: IGHMBP2-related condition; IGHMBP2-related disorders.

Allele frequency attached by ClinVar (database versions not stated): ESP Exome Variant Server 0.00023; gnomAD 0.00065 and 0.00067; ExAC 0.00141; TOPMed 0.00158; gnomAD exomes 0.00178; 1000 Genomes Project 0.00180; 1000 Genomes Project 30x 0.00203.
gnomAD v4.1: 1,041 of 1,613,314 alleles (0.065%); highest among the groups gnomAD compares: Admixed American, 0.95%; 5 homozygotes.

Submissions (12):

Labcorp Genetics (formerly Invitae), Labcorp
Classification: Benign for Autosomal recessive distal spinal muscular atrophy 1; Charcot-Marie-Tooth disease axonal type 2S. Last evaluated: 2026-01-19. Review status: criteria provided, single submitter. Criteria: Invitae Variant Classification Sherloc (09022015). Collection method: clinical testing. Allele origin: germline.

ARUP Laboratories, Molecular Genetics and Genomics, ARUP Laboratories
Classification: Likely benign. Last evaluated: 2025-05-23. Review status: criteria provided, single submitter. Criteria: ARUP Molecular Germline Variant Investigation Process 2024. Collection method: clinical testing. Allele origin: germline.

Mayo Clinic Laboratories, Mayo Clinic
Classification: Likely benign. Last evaluated: 2021-10-21. Review status: criteria provided, single submitter. Criteria: ACMG Guidelines, 2015. Collection method: clinical testing. Allele origin: germline. Observed: 3 variant alleles.
Comment: BA1

Illumina Laboratory Services, Illumina
Classification: Benign for Autosomal recessive distal spinal muscular atrophy 1. Last evaluated: 2018-01-13. Review status: criteria provided, single submitter. Criteria: ICSL Variant Classification Criteria 13 December 2019. Collection method: clinical testing. Allele origin: germline.
Comment: This variant was observed in the ICSL laboratory as part of a predisposition screen in an ostensibly healthy population. It had not been previously curated by ICSL or reported in the Human Gene Mutation Database (HGMD: prior to June 1st, 2018), and was therefore a candidate for classification through an automated scoring system. Utilizing variant allele frequency, disease prevalence and penetrance estimates, and inheritance mode, an automated score was calculated to assess if this variant is too frequent to cause the disease. Based on the score and internal cut-off values, a variant classified as benign is not then subjected to further curation. The score for this variant resulted in a classification of benign for this disease.

Athena Diagnostics
Classification: Benign. Last evaluated: 2017-12-28. Review status: criteria provided, single submitter. Criteria: Athena Diagnostics Criteria. Collection method: clinical testing. Allele origin: germline.

Center for Pediatric Genomic Medicine, Children's Mercy Hospital and Clinics
Classification: Uncertain significance. Last evaluated: 2016-01-21. Review status: criteria provided, single submitter. Criteria: ACMG Guidelines, 2015. Collection method: clinical testing. Allele origin: germline.
ClinVar note: Converted during submission from Uncertain Significance to Uncertain significance.

GeneDx
Classification: Benign. Last evaluated: 2015-03-03. Review status: criteria provided, single submitter. Criteria: GeneDx Variant Classification Process June 2021. Collection method: clinical testing. Allele origin: germline. Affected: yes.

Molecular Genetics Laboratory, London Health Sciences Centre
Classification: Likely benign for Charcot-Marie-Tooth disease. Review status: criteria provided, single submitter. Criteria: ACMG Guidelines, 2015. Collection method: clinical testing. Allele origin: germline. Affected: yes.

PreventionGenetics, part of Exact Sciences
Classification: Benign for IGHMBP2-related condition. Last evaluated: 2021-03-22. Review status: no assertion criteria provided. Collection method: clinical testing. Allele origin: germline. Not counted in ClinVar's aggregate classification.
Comment: This variant is classified as benign based on ACMG/AMP sequence variant interpretation guidelines (Richards et al. 2015 PMID: 25741868, with internal and published modifications).

Dr. Peter K. Rogan Lab, Western University
No classification provided (evidence only). Condition: Uterine corpus endometrial carcinoma. Review status: no classification provided. Collection method: in vitro. Allele origin: not applicable. Functional consequence: skipped exon. Not counted in ClinVar's aggregate classification.

Dr. Peter K. Rogan Lab, Western University
No classification provided (evidence only). Condition: Cervical cancer. Review status: no classification provided. Collection method: in vitro. Allele origin: not applicable. Functional consequence: retained intron. Not counted in ClinVar's aggregate classification.

Dr. Peter K. Rogan Lab, Western University
No classification provided (evidence only). Condition: Sarcoma. Review status: no classification provided. Collection method: in vitro. Allele origin: not applicable. Functional consequence: retained intron. Not counted in ClinVar's aggregate classification.

NM_002180.3(IGHMBP2):c.548-10T>G

Gene: IGHMBP2 (immunoglobulin mu DNA binding protein 2; plus strand). Cytogenetic location: 11q13.3.
Variant type: single nucleotide variant.
Coding change: c.548-10T>G on transcript NM_002180.3 (MANE Select); 10 bases into the intron before coding-DNA position 548, T replaced by G.
Molecular consequence: intron variant.
Genome position (GRCh38, 1-based): chr11:68,911,430, T>G. VCF-style: chr11-68911430-T-G. GRCh37 (hg19) VCF-style: chr11-68678898-T-G.
Other names: p.?.
Identifiers: ClinVar variation 235360 (VCV000235360.28), dbSNP rs139207271, ClinGen allele CA6153325.